The following is an entry in ClinVar:

NM_001193315.2(VIPAS39):c.1071C>T (p.Asn357=)

Gene: VIPAS39 (VPS33B interacting protein, apical-basolateral polarity regulator, spe-39 homolog; minus strand). Cytogenetic location: 14q24.3.
Variant type: single nucleotide variant.
Coding change: c.1071C>T on transcript NM_001193315.2 (MANE Select); coding-DNA position 1071, C replaced by T.
Protein change: p.Asn357=; no amino-acid change (asparagine 357 retained).
Molecular consequence: synonymous variant.
Genome position (GRCh38, 1-based): chr14:77,434,280, G>A on the plus strand (C>T on the coding strand, the complement: VIPAS39 is on the minus strand). VCF-style: chr14-77434280-G-A. GRCh37 (hg19) VCF-style: chr14-77900623-G-A.
Other names: p.Asn357=; c.1071C>T, p.Asn357= (NM_001193314.2, NM_001193317.2, NM_022067.4); c.924C>T, p.Asn308= (NM_001193316.2).
Identifiers: ClinVar variation 290964 (VCV000290964.32), dbSNP rs138544284, ClinGen allele CA7287845.

ClinVar aggregate classification (germline): Conflicting classifications of pathogenicity. Review status: criteria provided, conflicting classifications (1 of 4 stars). 4 submissions from 4 submitters: Uncertain significance (1); Likely benign (3). Last evaluated 2025-12-16.

Allele frequency attached by ClinVar (database versions not stated): ExAC 0.00013; gnomAD exomes 0.00014 and 0.00032; TOPMed 0.00017; gnomAD 0.00023 and 0.00024; ESP Exome Variant Server 0.00031.
gnomAD v4.1: 490 of 1,613,968 alleles (0.03%); highest among the groups gnomAD compares: Non-Finnish European, 0.04%; no homozygotes.

Submissions (4):

Labcorp Genetics (formerly Invitae), Labcorp
Classification: Likely benign. Last evaluated: 2025-12-16. Review status: criteria provided, single submitter. Criteria: Invitae Variant Classification Sherloc (09022015). Collection method: clinical testing. Allele origin: germline.

Mayo Clinic Laboratories, Mayo Clinic
Classification: Likely benign. Last evaluated: 2024-12-10. Review status: criteria provided, single submitter. Criteria: ACMG Guidelines, 2015. Collection method: clinical testing. Allele origin: germline. Observed: 1 variant allele.
Comment: BP4, BP7

CeGaT Center for Human Genetics Tuebingen
Classification: Likely benign. Last evaluated: 2024-07-01. Review status: criteria provided, single submitter. Criteria: CeGaT Center For Human Genetics Tuebingen Variant Classification Criteria Version 2. Collection method: clinical testing. Allele origin: germline. Affected: yes. Observed: 1 variant allele.
Comment: VIPAS39: BP4, BP7

Eurofins Ntd Llc (ga)
Classification: Uncertain significance. Last evaluated: 2018-05-08. Review status: criteria provided, single submitter. Criteria: EGL ClinVar v180209 classification definitions. Collection method: clinical testing. Allele origin: germline. Observed: 3 variant alleles, 3 heterozygotes.